The following is an entry in ClinVar:

NM_001199138.2(NLRC4):c.928C>T (p.Arg310Ter)

Gene: NLRC4 (NLR family CARD domain containing 4; minus strand). Cytogenetic location: 2p22.3.
Variant type: single nucleotide variant.
Coding change: c.928C>T on transcript NM_001199138.2 (MANE Select); coding-DNA position 928, C replaced by T.
Protein change: p.Arg310Ter; replaces arginine 310 with a stop codon.
Molecular consequence: nonsense. On other transcripts: intron variant (1).
Genome position (GRCh38, 1-based): chr2:32,250,936, G>A on the plus strand (C>T on the coding strand, the complement: NLRC4 is on the minus strand). VCF-style: chr2-32250936-G-A. GRCh37 (hg19) VCF-style: chr2-32476005-G-A.
Other names: c.928C>T, p.Arg310Ter (NM_001199139.2, NM_021209.5); c.262+1483C>T (NM_001302504.1); short protein forms R310*.
Identifiers: ClinVar variation 103085 (VCV000103085.44), dbSNP rs199475953, ClinGen allele CA230096.

ClinVar aggregate classification (germline): Conflicting classifications of pathogenicity. Review status: criteria provided, conflicting classifications (1 of 4 stars). 7 submissions from 7 submitters: Uncertain significance (4); Likely benign (1). 2 of the submissions do not count toward it. Last evaluated 2026-01-13.

Conditions:
Periodic fever-infantile enterocolitis-autoinflammatory syndrome. Also called: Autoinflammation with infantile enterocolitis. Identifiers: Orphanet 436166, MedGen C4015067, MONDO:0014472, OMIM 616050.
Familial cold autoinflammatory syndrome 4 (FCAS4). Identifiers: Orphanet 47045, Orphanet 576349, MedGen C4015276, MONDO:0014498, OMIM 616115.

Allele frequency attached by ClinVar (database versions not stated): ESP Exome Variant Server 0.00046; gnomAD exomes 0.00017; gnomAD 0.00015; ExAC 0.00016; TOPMed 0.00017.
gnomAD v4.1: 242 of 1,613,998 alleles (0.015%); highest among the groups gnomAD compares: Non-Finnish European, 0.019%; no homozygotes.

Submissions (7):

Labcorp Genetics (formerly Invitae), Labcorp
Classification: Uncertain significance for Periodic fever-infantile enterocolitis-autoinflammatory syndrome; Familial cold autoinflammatory syndrome 4. Last evaluated: 2026-01-13. Review status: criteria provided, single submitter. Criteria: Invitae Variant Classification Sherloc (09022015). Collection method: clinical testing. Allele origin: germline.
Comment: This sequence change creates a premature translational stop signal (p.Arg310*) in the NLRC4 gene. It is expected to result in an absent or disrupted protein product. However, the current clinical and genetic evidence is not sufficient to establish whether loss-of-function variants in NLRC4 cause disease. This variant is present in population databases (rs199475953, gnomAD 0.03%), and has an allele count higher than expected for a pathogenic variant. This premature translational stop signal has been observed in individual(s) with systemic autoinflammatory disease (PMID: 30783801, 36777733, 38034538). ClinVar contains an entry for this variant (Variation ID: 103085). In summary, the available evidence is currently insufficient to determine the role of this variant in disease. Therefore, it has been classified as a Variant of Uncertain Significance.

Women's Health and Genetics/Laboratory Corporation of America, LabCorp
Classification: Uncertain significance. Last evaluated: 2025-03-17. Review status: criteria provided, single submitter. Criteria: LabCorp Variant Classification Summary - May 2015. Collection method: clinical testing. Allele origin: germline.
Comment: Variant summary: NLRC4 c.928C>T (p.Arg310X) results in a premature termination codon, predicted to cause a truncation of the encoded protein or absence of the protein due to nonsense mediated decay, however current evidence is not sufficient to establish loss of function as a mechanism for disease. The variant allele was found at a frequency of 0.00015 in 1607024 control chromosomes (gnomAD). This frequency is not higher than estimated for a pathogenic variant in NLRC4 causing NLRC4-Related Disorders, allowing no conclusion about variant significance. c.928C>T has been reported in the literature in heterozygous individuals affected with clinical features of NLRC4-Related Disorders (e.g. Popplewell_2020, Karacan_2019, Alexeeva_2023, Poker_2023, Brichova_2024), however it was also found in unaffected relatives of affected individuals with the variant (e.g. Popplewell_2020, Brichova_2024). These report(s) do not provide unequivocal conclusions about association of the variant with NLRC4-Related Disorders. To our knowledge, no experimental evidence demonstrating an impact on protein function has been reported. The following publications have been ascertained in the context of this evaluation (PMID: 30783801, 32529290, 36777733, 38927735, 38034538). ClinVar contains an entry for this variant (Variation ID: 103085). Based on the evidence outlined above, the variant was classified as uncertain significance.

Department of Human Genetics, Hannover Medical School
Classification: Uncertain significance for Periodic fever-infantile enterocolitis-autoinflammatory syndrome. Last evaluated: 2024-11-14. Review status: criteria provided, single submitter. Criteria: ACMG Guidelines, 2015. Collection method: clinical testing. Allele origin: germline. Affected: yes.

CeGaT Center for Human Genetics Tuebingen
Classification: Likely benign. Last evaluated: 2024-09-01. Review status: criteria provided, single submitter. Criteria: CeGaT Center For Human Genetics Tuebingen Variant Classification Criteria Version 2. Collection method: clinical testing. Allele origin: germline. Affected: yes. Observed: 3 variant alleles.
Comment: NLRC4: BS1

Mayo Clinic Laboratories, Mayo Clinic
Classification: Uncertain significance. Last evaluated: 2019-08-11. Review status: criteria provided, single submitter. Criteria: ACMG Guidelines, 2015. Collection method: clinical testing. Allele origin: germline. Observed: 1 variant allele.

Department of Pathology and Laboratory Medicine, Sinai Health System
Classification: Uncertain significance. Review status: no assertion criteria provided. Collection method: clinical testing. Allele origin: unknown. Affected: yes. Study: The Canadian Open Genetics Repository (COGR). Not counted in ClinVar's aggregate classification.
Comment: The NLRC4 p.R310* variant was identified in 1 of 392 proband chromosomes (frequency: 0.00255) from individuals with systemic autoinflammatory diseases (Karacan_2019_PMID:30783801). The variant was identified in dbSNP (ID: rs199475953) and ClinVar (classified as uncertain significance by Invitae). The variant was identified in control databases in 48 of 282654 chromosomes at a frequency of 0.0001698 (Genome Aggregation Database March 6, 2019, v2.1.1). The variant was observed in the following populations: European (non-Finnish) in 40 of 129004 chromosomes (freq: 0.00031), Latino in 5 of 35434 chromosomes (freq: 0.000141), Other in 1 of 7224 chromosomes (freq: 0.000138) and European (Finnish) in 2 of 25110 chromosomes (freq: 0.00008), but was not observed in the African, Ashkenazi Jewish, East Asian, or South Asian populations. The c.928C>T variant leads to a premature stop codon at position 310 which is predicted to lead to a truncated or absent protein and loss of function. The role of NLRC4 loss of function variants in disease is currently not well established. The variant occurs outside of the splicing consensus sequence and in silico or computational prediction software programs (SpliceSiteFinder, MaxEntScan, NNSPLICE, GeneSplicer) do not predict a difference in splicing. In summary, based on the above information the clinical significance of this variant cannot be determined with certainty at this time. This variant is classified as a variant of uncertain significance.

Human Evolutionary Genetics, Institut Pasteur
No classification provided. Review status: no classification provided. Collection method: not provided. Allele origin: germline. Not counted in ClinVar's aggregate classification.
ClinVar note: Converted during submission from untested to not provided.

Literature cited by the submitters: PubMed 30783801 (cited by Labcorp Genetics (formerly Invitae), Labcorp and Women's Health and Genetics/Laboratory Corporation of America, LabCorp); PubMed 36777733 (cited by Labcorp Genetics (formerly Invitae), Labcorp and Women's Health and Genetics/Laboratory Corporation of America, LabCorp); PubMed 38034538 (cited by Labcorp Genetics (formerly Invitae), Labcorp and Women's Health and Genetics/Laboratory Corporation of America, LabCorp); PubMed 32529290 (cited by Women's Health and Genetics/Laboratory Corporation of America, LabCorp); PubMed 38927735 (cited by Women's Health and Genetics/Laboratory Corporation of America, LabCorp).